The following is an entry in ClinVar:

ClinVar aggregate classification (germline): Uncertain significance (1 of 4 stars; one submission).

Conditions:
Rhabdoid tumor predisposition syndrome 2 (RTPS2). Identifiers: Orphanet 231108, Orphanet 69077, MedGen C2750074, MONDO:0013224, OMIM 613325.

Submission:

Labcorp Genetics (formerly Invitae), Labcorp
Classification: Uncertain significance for Rhabdoid tumor predisposition syndrome 2. Last evaluated: 2021-03-29. Review status: criteria provided, single submitter. Criteria: Invitae Variant Classification Sherloc (09022015). Collection method: clinical testing. Allele origin: germline.
Comment: This sequence change replaces alanine with serine at codon 379 of the SMARCA4 protein (p.Ala379Ser). The alanine residue is highly conserved and there is a moderate physicochemical difference between alanine and serine. This variant is not present in population databases (ExAC no frequency). This variant has not been reported in the literature in individuals with SMARCA4-related conditions. In summary, the available evidence is currently insufficient to determine the role of this variant in disease. Therefore, it has been classified as a Variant of Uncertain Significance. Algorithms developed to predict the effect of missense changes on protein structure and function (SIFT, PolyPhen-2, Align-GVGD) all suggest that this variant is likely to be tolerated, but these predictions have not been confirmed by published functional studies and their clinical significance is uncertain.

NM_003072.5(SMARCA4):c.1135G>T (p.Ala379Ser)

Gene: SMARCA4 (SWI/SNF related BAF chromatin remodeling complex subunit ATPase 4; plus strand). Cytogenetic location: 19p13.2.
Variant type: single nucleotide variant.
Coding change: c.1135G>T on transcript NM_003072.5 (MANE Select); coding-DNA position 1135, G replaced by T.
Protein change: p.Ala379Ser; replaces alanine 379 with serine.
Molecular consequence: missense variant. On other transcripts: non-coding transcript variant (1).
Genome position (GRCh38, 1-based): chr19:10,989,333, G>T. VCF-style: chr19-10989333-G-T. GRCh37 (hg19) VCF-style: chr19-11100009-G-T.
Other names: c.1135G>T, p.Ala379Ser (NM_001128844.3, NM_001128845.2, NM_001128846.2 and 5 more transcripts); short protein forms A379S.
Identifiers: ClinVar variation 1383101 (VCV001383101.8), dbSNP rs769660597, ClinGen allele CA404059381.